The following is an entry in ClinVar:

NM_001330260.2(SCN8A):c.5066A>C (p.Glu1689Ala)

Gene: SCN8A (sodium voltage-gated channel alpha subunit 8; plus strand). Cytogenetic location: 12q13.13.
Variant type: single nucleotide variant.
Coding change: c.5066A>C on transcript NM_001330260.2 (MANE Select); coding-DNA position 5066, A replaced by C.
Protein change: p.Glu1689Ala; replaces glutamic acid 1689 with alanine.
Molecular consequence: missense variant.
Genome position (GRCh38, 1-based): chr12:51,806,552, A>C. VCF-style: chr12-51806552-A-C. GRCh37 (hg19) VCF-style: chr12-52200336-A-C.
Other names: c.4943A>C, p.Glu1648Ala (NM_001177984.3, NM_001369788.1); c.5066A>C, p.Glu1689Ala (NM_014191.4); short protein forms E1648A, E1689A.
Identifiers: ClinVar variation 2912385 (VCV002912385.3), dbSNP rs2540334126, ClinGen allele CA384882845.

ClinVar aggregate classification (germline): Uncertain significance (1 of 4 stars; one submission).

Conditions:
Early-infantile DEE. Also called: Early infantile epileptic encephalopathy; Ohtahara syndrome; Early infantile epileptic encephalopathy with suppression bursts. Identifiers: Orphanet 1934, MedGen C0393706, MONDO:0800491.

Submission:

Labcorp Genetics (formerly Invitae), Labcorp
Classification: Uncertain significance for Early-infantile DEE. Last evaluated: 2024-11-11. Review status: criteria provided, single submitter. Criteria: Invitae Variant Classification Sherloc (09022015). Collection method: clinical testing. Allele origin: germline.
Comment: This sequence change replaces glutamic acid, which is acidic and polar, with alanine, which is neutral and non-polar, at codon 1689 of the SCN8A protein (p.Glu1689Ala). This variant is not present in population databases (gnomAD no frequency). This variant has not been reported in the literature in individuals affected with SCN8A-related conditions. ClinVar contains an entry for this variant (Variation ID: 2912385). Invitae Evidence Modeling of protein sequence and biophysical properties (such as structural, functional, and spatial information, amino acid conservation, physicochemical variation, residue mobility, and thermodynamic stability) indicates that this missense variant is expected to disrupt SCN8A protein function with a positive predictive value of 95%. In summary, the available evidence is currently insufficient to determine the role of this variant in disease. Therefore, it has been classified as a Variant of Uncertain Significance.